The following is an entry in ClinVar:

ClinVar aggregate classification (germline): Uncertain significance. Review status: criteria provided, multiple submitters, no conflicts (2 of 4 stars). 2 submissions from 2 submitters: Uncertain significance (2). Last evaluated 2025-09-27.

Conditions:
Inborn genetic diseases. Identifiers: MedGen C0950123, MeSH D030342.
KBG syndrome (KBGS). Also called: ANKRD11-Related KBG Syndrome. Identifiers: Orphanet 2332, MedGen C0220687, MONDO:0007846, OMIM 148050.

gnomAD v4.1: 17 of 1,613,538 alleles (0.0011%); highest among the groups gnomAD compares: South Asian, 0.015%; no homozygotes.

Submissions (2):

Ambry Genetics
Classification: Uncertain significance for Inborn genetic diseases. Last evaluated: 2025-09-27. Review status: criteria provided, single submitter. Criteria: Ambry Variant Classification Scheme 2023. Collection method: clinical testing. Allele origin: germline.
Comment: The c.1334C>A (p.A445D) alteration is located in exon 9 (coding exon 7) of the ANKRD11 gene. This alteration results from a C to A substitution at nucleotide position 1334, causing the alanine (A) at amino acid position 445 to be replaced by an aspartic acid (D). Based on data from gnomAD, the A allele has an overall frequency of <0.001% (1/247986) total alleles studied. The highest observed frequency was 0.003% (1/30600) of South Asian alleles. Based on insufficient or conflicting evidence, the clinical significance of this alteration remains unclear.

Labcorp Genetics (formerly Invitae), Labcorp
Classification: Uncertain significance for KBG syndrome. Last evaluated: 2024-05-07. Review status: criteria provided, single submitter. Criteria: Invitae Variant Classification Sherloc (09022015). Collection method: clinical testing. Allele origin: germline.
Comment: This sequence change replaces alanine, which is neutral and non-polar, with aspartic acid, which is acidic and polar, at codon 445 of the ANKRD11 protein (p.Ala445Asp). This variant is present in population databases (rs536676415, gnomAD 0.007%). This variant has not been reported in the literature in individuals affected with ANKRD11-related conditions. Advanced modeling of protein sequence and biophysical properties (such as structural, functional, and spatial information, amino acid conservation, physicochemical variation, residue mobility, and thermodynamic stability) performed at Invitae indicates that this missense variant is not expected to disrupt ANKRD11 protein function with a negative predictive value of 95%. In summary, the available evidence is currently insufficient to determine the role of this variant in disease. Therefore, it has been classified as a Variant of Uncertain Significance.

NM_013275.6(ANKRD11):c.1334C>A (p.Ala445Asp)

Gene: ANKRD11 (ankyrin repeat domain 11; minus strand). Cytogenetic location: 16q24.3.
Variant type: single nucleotide variant.
Coding change: c.1334C>A on transcript NM_013275.6 (MANE Select); coding-DNA position 1334, C replaced by A.
Protein change: p.Ala445Asp; replaces alanine 445 with aspartic acid.
Molecular consequence: missense variant.
Genome position (GRCh38, 1-based): chr16:89,285,208, G>T on the plus strand (C>A on the coding strand, the complement: ANKRD11 is on the minus strand). VCF-style: chr16-89285208-G-T. GRCh37 (hg19) VCF-style: chr16-89351616-G-T.
Other names: c.1334C>A, p.Ala445Asp (NM_001256182.2, NM_001256183.2); c.1334C>A (NM_013275.4); short protein forms A445D.
Identifiers: ClinVar variation 3624768 (VCV003624768.3).